The following is an entry in ClinVar:

NM_025114.4(CEP290):c.6299G>A (p.Cys2100Tyr)

Genes: CEP290 (centrosomal protein 290; minus strand), LOC129390514 (MPRA-validated peak1864 silencer; plus strand). Cytogenetic location: 12q21.32.
Variant type: single nucleotide variant.
Coding change: c.6299G>A on transcript NM_025114.4 (MANE Select); coding-DNA position 6299, G replaced by A.
Protein change: p.Cys2100Tyr; replaces cysteine 2100 with tyrosine.
Molecular consequence: missense variant.
Genome position (GRCh38, 1-based): chr12:88,062,750, C>T on the plus strand (G>A on the coding strand, the complement: CEP290 is on the minus strand). VCF-style: chr12-88062750-C-T. GRCh37 (hg19) VCF-style: chr12-88456527-C-T.
Other names: short protein forms C2100Y.
Identifiers: ClinVar variation 1337419 (VCV001337419.7), dbSNP rs1274778299, ClinGen allele CA385979302.
Genomic context (GRCh38, chr12:88,062,750, plus strand): 5'-ACCCCTCTAACATGGCCAAGTTTCCGCTGAACTTCTGCTTTTTCTTTCTTAAGAAATTCA[C>T]ACATTTCCTTCAAATCTCTGACTTGATTCTGAAAGATAACAAGCAAACATGTAATAATTT-3'
Protein context (NP_079390.3, residues 2090-2110): KNQVRDLKEM[Cys2100Tyr]EFLKKEKAEV

ClinVar aggregate classification (germline): Uncertain significance. Review status: criteria provided, multiple submitters, no conflicts (2 of 4 stars). 3 submissions from 3 submitters: Uncertain significance (3). Last evaluated 2025-09-15.

Conditions:
CEP290-related disorder. Also called: CEP290-related disorders; CEP290-related condition. Identifiers: MedGen CN239314.
Nephronophthisis. Also called: Juvenile Nephronophthisis. Identifiers: Orphanet 655, MedGen C0687120, MONDO:0019005, HP:0000090.
Meckel-Gruber syndrome. Also called: DYSENCEPHALIA SPLANCHNOCYSTICA; GRUBER SYNDROME; Dysencephalia splachnocystica. Identifiers: Orphanet 564, MedGen C0265215, MONDO:0018921.
Joubert syndrome. Also called: JOUBERT-BOLTSHAUSER SYNDROME; Familial aplasia of the vermis. Identifiers: Orphanet 475, MedGen C5979921, MONDO:0018772.

Allele frequency attached by ClinVar (database versions not stated): gnomAD exomes below 0.00001 and 0.00001.
gnomAD v4.1: 7 of 1,592,448 alleles (0.00044%); highest among the groups gnomAD compares: Middle Eastern, 0.017%; no homozygotes.

Submissions (3):

PreventionGenetics, part of Exact Sciences
Classification: Uncertain significance for CEP290-related condition. Last evaluated: 2025-09-15. Review status: criteria provided, single submitter. Criteria: ACMG Guidelines, 2015. Collection method: clinical testing. Allele origin: germline.
Comment: The CEP290 c.6299G>A variant is predicted to result in the amino acid substitution p.Cys2100Tyr. To our knowledge, this variant has not been reported in the literature. This variant is reported in 0.0033% of alleles in individuals of Latino descent in gnomAD. At this time, the clinical significance of this variant is uncertain due to the absence of conclusive functional and genetic evidence.

Labcorp Genetics (formerly Invitae), Labcorp
Classification: Uncertain significance for Joubert syndrome; Meckel-Gruber syndrome; Nephronophthisis. Last evaluated: 2022-09-06. Review status: criteria provided, single submitter. Criteria: Invitae Variant Classification Sherloc (09022015). Collection method: clinical testing. Allele origin: germline.
Comment: This sequence change replaces cysteine, which is neutral and slightly polar, with tyrosine, which is neutral and polar, at codon 2100 of the CEP290 protein (p.Cys2100Tyr). The frequency data for this variant in the population databases is considered unreliable, as metrics indicate poor data quality at this position in the gnomAD database. This variant has not been reported in the literature in individuals affected with CEP290-related conditions. ClinVar contains an entry for this variant (Variation ID: 1337419). Algorithms developed to predict the effect of missense changes on protein structure and function are either unavailable or do not agree on the potential impact of this missense change (SIFT: "Tolerated"; PolyPhen-2: "Probably Damaging"; Align-GVGD: "Class C0"). In summary, the available evidence is currently insufficient to determine the role of this variant in disease. Therefore, it has been classified as a Variant of Uncertain Significance.

Genetic Services Laboratory, University of Chicago
Classification: Uncertain significance. Last evaluated: 2019-10-04. Review status: criteria provided, single submitter. Criteria: ACMG Guidelines, 2015. Collection method: clinical testing. Allele origin: germline. Affected: no.